The following is an entry in ClinVar:

NM_004136.4(IREB2):c.1255C>T (p.Arg419Ter)

Gene: IREB2 (iron responsive element binding protein 2; plus strand). Cytogenetic location: 15q25.1.
Variant type: single nucleotide variant.
Coding change: c.1255C>T on transcript NM_004136.4 (MANE Select); coding-DNA position 1255, C replaced by T.
Protein change: p.Arg419Ter; replaces arginine 419 with a stop codon.
Molecular consequence: nonsense.
Genome position (GRCh38, 1-based): chr15:78,478,356, C>T. VCF-style: chr15-78478356-C-T. GRCh37 (hg19) VCF-style: chr15-78770698-C-T.
Other names: c.505C>T, p.Arg169Ter (NM_001320941.2); c.1084C>T, p.Arg362Ter (NM_001320942.2, NM_001354994.2); short protein forms R419*, R169*, R362*.
Identifiers: ClinVar variation 633460 (VCV000633460.4), dbSNP rs779567692, ClinGen allele CA393569418.

ClinVar aggregate classification (germline): Likely pathogenic. Review status: criteria provided, single submitter (1 of 4 stars). 2 submissions from 2 submitters: Likely pathogenic (1). 1 of the submissions does not count toward it. Last evaluated 2019-08-22.

Conditions:
Neurodegeneration, early-onset, with choreoathetoid movements and microcytic anemia. Identifiers: MedGen C5193104, MONDO:0032758, OMIM 618451.
NEURODEGENERATION, EARLY-ONSET, WITH CHOREOATHETOSIS AND MICROCYTIC ANEMIA.

Submissions (2):

SIB Swiss Institute of Bioinformatics
Classification: Likely pathogenic for Neurodegeneration, early-onset, with choreoathetoid movements and microcytic anemia. Last evaluated: 2019-08-22. Review status: criteria provided, single submitter. Criteria: ACMG Guidelines, 2015. Collection method: curation. Allele origin: unknown.
Comment: This variant is interpreted as a Likely pathogenic for Neurodegeneration, early-onset, with choreoathetoid movements and microcytic anemia, autosomal recessive. The following ACMG Tag(s) were applied: PM2, PM4, PM1, PM3, PS3-moderate.

OMIM
Classification: Pathogenic for NEURODEGENERATION, EARLY-ONSET, WITH CHOREOATHETOSIS AND MICROCYTIC ANEMIA. Last evaluated: 2019-11-05. Review status: no assertion criteria provided. Collection method: literature only. Allele origin: germline. Not counted in ClinVar's aggregate classification.

Literature cited by the submitters: PubMed 30915432 (cited by SIB Swiss Institute of Bioinformatics and OMIM).